The following is an entry in ClinVar:

ClinVar aggregate classification (germline): Uncertain significance. Review status: criteria provided, multiple submitters, no conflicts (2 of 4 stars). 2 submissions from 2 submitters: Uncertain significance (2). Last evaluated 2025-09-12.

Conditions:
Hereditary cancer-predisposing syndrome. Also called: Hereditary neoplastic syndrome; Hereditary Cancer Syndrome; Tumor predisposition; Neoplastic Syndromes, Hereditary. Identifiers: Orphanet 140162, MedGen C0027672, MeSH D009386, MONDO:0015356.

gnomAD v4.1: 1 of 1,606,036 alleles (0.000062%); highest among the groups gnomAD compares: Non-Finnish European, 0.000085%; no homozygotes.

Submissions (2):

Ambry Genetics
Classification: Uncertain significance for Hereditary cancer-predisposing syndrome. Last evaluated: 2025-09-12. Review status: criteria provided, single submitter. Criteria: Ambry Variant Classification Scheme 2023. Collection method: clinical testing. Allele origin: germline.
Comment: The c.321C>T variant (also known as p.R107R), located in coding exon 2 of the CDKN2A gene, results from a C to T substitution at nucleotide position 321 and does not change the amino acid at position 107 of the p16 isoform.Of note, this variant is also known as p.R122* (c.364C>T)in the p14(ARF) isoform and changes the amino acid from an arginine to a stop codon. The evidence supporting a relationship between p14(ARF) and melanoma-pancreatic cancer syndrome is limited; therefore, the association of this variant with this gene-disease relationship is unknown. However, the association of this variant in the p16 isoform with melanoma-pancreatic cancer syndrome is unlikely.

GeneDx
Classification: Uncertain significance. Last evaluated: 2024-03-01. Review status: criteria provided, single submitter. Criteria: GeneDx Variant Classification Process June 2021. Collection method: clinical testing. Allele origin: germline. Affected: yes.
Comment: Nonsense variant predicted to result in protein truncation as the last 11 amino acids are lost; Not observed at significant frequency in large population cohorts (gnomAD); Has not been previously published as pathogenic or benign to our knowledge; Reported using an alternate transcript of the gene; This variant is associated with the following publications: (PMID: 25405470)

NM_000077.5(CDKN2A):c.321C>T (p.Arg107=)

Gene: CDKN2A (cyclin dependent kinase inhibitor 2A; minus strand). Cytogenetic location: 9p21.3.
Variant type: single nucleotide variant.
Coding change: c.321C>T on transcript NM_000077.5; coding-DNA position 321, C replaced by T.
Protein change: p.Arg107=; no amino-acid change (arginine 107 retained).
Molecular consequence: synonymous variant (on NM_000077.6). On other transcripts: nonsense (1), 3 prime UTR variant (1).
Genome position (GRCh38, 1-based): chr9:21,971,038, G>A on the plus strand (C>T on the coding strand, the complement: CDKN2A is on the minus strand). VCF-style: chr9-21971038-G-A. GRCh37 (hg19) VCF-style: chr9-21971037-G-A.
Other names: c.321C>T, p.Arg107= (NM_000077.6, NM_001195132.2); c.168C>T, p.Arg56= (NM_001363763.2); c.364C>T, p.Arg122Ter (NM_058195.4); c.*244C>T (NM_058197.5); short protein forms R122*.
Identifiers: ClinVar variation 1729052 (VCV001729052.4), dbSNP rs772527888, ClinGen allele CA373086064.